The following is an entry in ClinVar:

NM_004360.5(CDH1):c.1678_1688del (p.Thr560fs)

Gene: CDH1 (cadherin 1; plus strand). Cytogenetic location: 16q22.1.
Variant type: Deletion.
Coding change: c.1678_1688del on transcript NM_004360.5 (MANE Select); coding-DNA positions 1678 to 1688, 11 bases deleted (ACGTACACAGC).
Protein change: p.Thr560fs; shifts the reading frame from threonine 560.
Molecular consequence: frameshift variant. On other transcripts: intron variant (1).
Genome position (GRCh38, 1-based): chr16:68,819,392-68,819,402, ACGTACACAGC deleted; deleting any 11 consecutive bases within chr16:68,819,387-68,819,402 gives the same sequence; the c. name uses the placement nearest the transcript's 3' end. VCF-style (leftmost placement, unchanged base first): chr16-68819386-AACAGCACGTAC-A. GRCh37 (hg19) VCF-style: chr16-68853289-AACAGCACGTAC-A.
Other names: c.1495_1505del, p.Thr499fs (NM_001317184.2); c.130_140del, p.Thr44fs (NM_001317185.2); c.-254-2609_-254-2599del (NM_001317186.2); short protein forms T44fs, T499fs, T560fs.
Identifiers: ClinVar variation 4073628 (VCV004073628.1).

ClinVar aggregate classification (germline): Pathogenic (1 of 4 stars; one submission).

Conditions:
CDH1-related diffuse gastric and lobular breast cancer syndrome. Also called: CDH1-related diffuse gastric and lobular breast cancer. Identifiers: MedGen CN311521, MONDO:0100488.

Submission:

Dipartimento Di Medicina Di Precisione, Università Degli Studi Della Campania Luigi Vanvitelli
Classification: Pathogenic for CDH1-related diffuse gastric and lobular breast cancer syndrome. Last evaluated: 2025-07-11. Review status: criteria provided, single submitter. Criteria: ACMG Guidelines, 2015. Collection method: clinical testing. Allele origin: germline. Affected: yes. Observed: 1 heterozygote.
Comment: This variant c.1678_1688del (p.Thr560Profs*24) involves the deletion of 10 nucleotides at positions 1678 to 1688, leading to a frameshift starting at amino acid threonine 560. The frameshift alters the amino acid sequence, resulting in the insertion of a proline and the creation of a premature stop codon (Ter) 24 amino acids downstream.

Literature cited by the submitters: DOI 10.3390/ijms26135928.